The following is an entry in ClinVar:

NM_000417.3(IL2RA):c.728-3C>T

Gene: IL2RA (interleukin 2 receptor subunit alpha; minus strand). Cytogenetic location: 10p15.1.
Variant type: single nucleotide variant.
Coding change: c.728-3C>T on transcript NM_000417.3 (MANE Select); 3 bases into the intron before coding-DNA position 728, C replaced by T.
Molecular consequence: intron variant.
Genome position (GRCh38, 1-based): chr10:6,018,122, G>A on the plus strand (C>T on the coding strand, the complement: IL2RA is on the minus strand). VCF-style: chr10-6018122-G-A. GRCh37 (hg19) VCF-style: chr10-6060085-G-A.
Other names: c.440-3C>T (NM_001308243.2); c.512-3C>T (NM_001308242.2).
Identifiers: ClinVar variation 1505408 (VCV001505408.6), dbSNP rs74162099, ClinGen allele CA202291484.
Genomic context (GRCh38, chr10:6,018,122, plus strand): 5'-TGCCAGGTGAGCCCACTCAGGAGGAGGACGCTGATCAGCAGGAAAACACAGCCGGCCACT[G>A]TCAATAGAGAGAGGGAGTTCAGCAAAGGGCCCTGGGCTTGGCATGGGGGCAGCAGGAGCC-3'

ClinVar aggregate classification (germline): Uncertain significance (1 of 4 stars; one submission).

Conditions:
Immunodeficiency due to CD25 deficiency. Also called: IMMUNODEFICIENCY 41 WITH LYMPHOPROLIFERATION AND AUTOIMMUNITY; IL2RA DEFICIENCY; CD25 DEFICIENCY. Identifiers: Orphanet 169100, MedGen C1853392, MONDO:0011664, OMIM 606367.

Allele frequency attached by ClinVar (database versions not stated): gnomAD 0.00001; gnomAD exomes 0.00001; TOPMed 0.00001.
gnomAD v4.1: 16 of 1,613,520 alleles (0.00099%); highest among the groups gnomAD compares: Non-Finnish European, 0.0012%; no homozygotes.

Submission:

Labcorp Genetics (formerly Invitae), Labcorp
Classification: Uncertain significance for Immunodeficiency due to CD25 deficiency. Last evaluated: 2021-09-03. Review status: criteria provided, single submitter. Criteria: Invitae Variant Classification Sherloc (09022015). Collection method: clinical testing. Allele origin: germline.
Comment: This sequence change falls in intron 6 of the IL2RA gene. It does not directly change the encoded amino acid sequence of the IL2RA protein. It affects a nucleotide within the consensus splice site of the intron. This variant is not present in population databases (ExAC no frequency). This variant has not been reported in the literature in individuals affected with IL2RA-related conditions. Variants that disrupt the consensus splice site are a relatively common cause of aberrant splicing (PMID: 17576681, 9536098). Algorithms developed to predict the effect of sequence changes on RNA splicing suggest that this variant may disrupt the consensus splice site. In summary, the available evidence is currently insufficient to determine the role of this variant in disease. Therefore, it has been classified as a Variant of Uncertain Significance.

Literature cited by the submitters: PubMed 17576681; PubMed 9536098.